The following is an entry in ClinVar:

NM_001367916.1(MAGT1):c.702A>G (p.Gln234=)

Gene: MAGT1 (magnesium transporter 1; minus strand). Cytogenetic location: Xq21.1.
Variant type: single nucleotide variant.
Coding change: c.702A>G on transcript NM_001367916.1 (MANE Select); coding-DNA position 702, A replaced by G.
Protein change: p.Gln234=; no amino-acid change (glutamine 234 retained).
Molecular consequence: synonymous variant.
Genome position (GRCh38, 1-based): chrX:77,855,561, T>C on the plus strand (A>G on the coding strand, the complement: MAGT1 is on the minus strand). VCF-style: chrX-77855561-T-C. GRCh37 (hg19) VCF-style: chrX-77111058-T-C.
Other names: p.Gln266=; c.798A>G, p.Gln266= (NM_032121.5).
Identifiers: ClinVar variation 2739586 (VCV002739586.4), dbSNP rs782487472, ClinGen allele CA10458478.

ClinVar aggregate classification (germline): Benign. Review status: criteria provided, multiple submitters, no conflicts (2 of 4 stars). 2 submissions from 2 submitters: Benign (2). Last evaluated 2025-07-23.

Conditions:
X-linked immunodeficiency with magnesium defect, Epstein-Barr virus infection and neoplasia. Identifiers: Orphanet 317476, MedGen C3275445, MONDO:0010455, OMIM 300853.

Allele frequency attached by ClinVar (database versions not stated): 1000 Genomes Project 0.00106; gnomAD exomes 0.00002; 1000 Genomes Project 30x 0.00083; TOPMed 0.00002; gnomAD 0.00006; ExAC 0.00008.
gnomAD v4.1: 25 of 1,205,062 alleles (0.0021%); highest among the groups gnomAD compares: East Asian, 0.062%; no homozygotes.

Submissions (2):

Mayo Clinic Laboratories, Mayo Clinic
Classification: Benign. Last evaluated: 2025-07-23. Review status: criteria provided, single submitter. Criteria: ACMG Guidelines, 2015. Collection method: clinical testing. Allele origin: germline. Observed: 1 variant allele.
Comment: BS1, BS2, BP4, BP7

Labcorp Genetics (formerly Invitae), Labcorp
Classification: Benign for X-linked immunodeficiency with magnesium defect, Epstein-Barr virus infection and neoplasia. Last evaluated: 2025-07-20. Review status: criteria provided, single submitter. Criteria: Invitae Variant Classification Sherloc (09022015). Collection method: clinical testing. Allele origin: germline.